The following is an entry in ClinVar:

ClinVar aggregate classification (germline): Conflicting classifications of pathogenicity. Review status: criteria provided, conflicting classifications (1 of 4 stars). 2 submissions from 2 submitters: Uncertain significance (1); Likely benign (1). Last evaluated 2023-05-22.

Conditions:
Developmental and epileptic encephalopathy, 33 (DEE33). Also called: Epileptic encephalopathy, early infantile, 33. Identifiers: Orphanet 442835, MedGen C4225337, MONDO:0014625, OMIM 616409.

Allele frequency attached by ClinVar (database versions not stated): gnomAD 0.00001; gnomAD exomes 0.00001.
gnomAD v4.1: 15 of 1,611,638 alleles (0.00093%); highest among the groups gnomAD compares: East Asian, 0.0022%; no homozygotes.

Submissions (2):

Labcorp Genetics (formerly Invitae), Labcorp
Classification: Likely benign for Developmental and epileptic encephalopathy, 33. Last evaluated: 2023-05-22. Review status: criteria provided, single submitter. Criteria: Invitae Variant Classification Sherloc (09022015). Collection method: clinical testing. Allele origin: germline.

CeGaT Center for Human Genetics Tuebingen
Classification: Uncertain significance. Last evaluated: 2020-03-01. Review status: criteria provided, single submitter. Criteria: CeGaT Center For Human Genetics Tuebingen Variant Classification Criteria Version 2. Collection method: clinical testing. Allele origin: germline. Affected: yes. Observed: 1 variant allele.

NM_001958.5(EEF1A2):c.842C>T (p.Ala281Val)

Gene: EEF1A2 (eukaryotic translation elongation factor 1 alpha 2; minus strand). Cytogenetic location: 20q13.33.
Variant type: single nucleotide variant.
Coding change: c.842C>T on transcript NM_001958.5 (MANE Select); coding-DNA position 842, C replaced by T.
Protein change: p.Ala281Val; replaces alanine 281 with valine.
Molecular consequence: missense variant.
Genome position (GRCh38, 1-based): chr20:63,490,666, G>A on the plus strand (C>T on the coding strand, the complement: EEF1A2 is on the minus strand). VCF-style: chr20-63490666-G-A. GRCh37 (hg19) VCF-style: chr20-62122019-G-A.
Other names: short protein forms A281V.
Identifiers: ClinVar variation 852167 (VCV000852167.49), dbSNP rs1166766963, ClinGen allele CA409647866.